The following is an entry in ClinVar:

ClinVar aggregate classification (germline): Uncertain significance (1 of 4 stars; one submission).

Conditions:
Symmetrical dyschromatosis of extremities (DSH). Also called: DYSCHROMATOSIS SYMMETRICA HEREDITARIA 1; RETICULATE ACROPIGMENTATION OF DOHI; SYMMETRIC DYSCHROMATOSIS OF THE EXTREMITIES; Dyschromatosis symmetrica hereditaria. Identifiers: Orphanet 41, MedGen C0406775, MONDO:0007483, OMIM 127400.
Aicardi-Goutieres syndrome 6 (AGS6). Identifiers: Orphanet 51, MedGen C3539013, MONDO:0014007, OMIM 615010.

gnomAD v4.1: 2 of 1,606,946 alleles (0.00012%); highest among the groups gnomAD compares: South Asian, 0.0011%; no homozygotes.

Submission:

Labcorp Genetics (formerly Invitae), Labcorp
Classification: Uncertain significance for Aicardi-Goutieres syndrome 6; Symmetrical dyschromatosis of extremities. Last evaluated: 2024-11-08. Review status: criteria provided, single submitter. Criteria: Invitae Variant Classification Sherloc (09022015). Collection method: clinical testing. Allele origin: germline.
Comment: This sequence change replaces proline, which is neutral and non-polar, with leucine, which is neutral and non-polar, at codon 3 of the ADAR protein (p.Pro3Leu). The frequency data for this variant in the population databases is considered unreliable, as metrics indicate poor data quality at this position in the gnomAD database. This variant has not been reported in the literature in individuals affected with ADAR-related conditions. An algorithm developed to predict the effect of missense changes on protein structure and function outputs the following: PolyPhen-2: "Benign". The leucine amino acid residue is found in multiple mammalian species, which suggests that this missense change does not adversely affect protein function. In summary, the available evidence is currently insufficient to determine the role of this variant in disease. Therefore, it has been classified as a Variant of Uncertain Significance.

NM_001111.5(ADAR):c.8C>T (p.Pro3Leu)

Genes: ADAR (adenosine deaminase RNA specific; minus strand), LOC129931512 (ATAC-STARR-seq lymphoblastoid silent region 1364; plus strand). Cytogenetic location: 1q21.3.
Variant type: single nucleotide variant.
Coding change: c.8C>T on transcript NM_001111.5 (MANE Select); coding-DNA position 8, C replaced by T.
Protein change: p.Pro3Leu; replaces proline 3 with leucine.
Molecular consequence: missense variant. On other transcripts: 5 prime UTR variant (2), intron variant (4).
Genome position (GRCh38, 1-based): chr1:154,607,999, G>A on the plus strand (C>T on the coding strand, the complement: ADAR is on the minus strand). VCF-style: chr1-154607999-G-A. GRCh37 (hg19) VCF-style: chr1-154580475-G-A.
Other names: c.-742C>T (NM_001365047.1, NM_001365049.1); c.8C>T, p.Pro3Leu (NM_015840.4, NM_015841.4); c.-734-5373C>T (NM_001365046.1); c.43-5373C>T (NM_001365045.1); c.-870-5373C>T (NM_001025107.3); c.-871+752C>T (NM_001365048.1); short protein forms P3L.
Identifiers: ClinVar variation 3758402 (VCV003758402.2).
Genomic context (GRCh38, chr1:154,607,999, plus strand): 5'-AGGTTGTAAACGAACCCAGACGGCGGCGAAGGTCCAAGGCCGGCCCGGCTTACCTGCCGC[G>A]GATTCATTGCGCCCGCGAGGCATTGCCCGGCCCGACCCGCCGGCGGCACGACCCTGGCCC-3'
Protein context (NP_001102.3, residues 1-13): MN[Pro3Leu]RQGYSLSGYY